The following is an entry in ClinVar:

ClinVar aggregate classification (germline): Uncertain significance (1 of 4 stars; one submission).

Submission:

Labcorp Genetics (formerly Invitae), Labcorp
Classification: Uncertain significance. Last evaluated: 2023-09-22. Review status: criteria provided, single submitter. Criteria: Invitae Variant Classification Sherloc (09022015). Collection method: clinical testing. Allele origin: germline.
Comment: This sequence change falls in intron 4 of the FAR1 gene. It does not directly change the encoded amino acid sequence of the FAR1 protein. Information on the frequency of this variant in the gnomAD database is not available, as this variant may be reported differently in the database. In summary, the available evidence is currently insufficient to determine the role of this variant in disease. Therefore, it has been classified as a Variant of Uncertain Significance. Experimental studies and prediction algorithms are not available or were not evaluated, and the effect of this variant on mRNA splicing is currently unknown. This variant has not been reported in the literature in individuals affected with FAR1-related conditions.

NM_032228.6(FAR1):c.545+13_545+15delinsATG

Gene: FAR1 (fatty acyl-CoA reductase 1; plus strand). Cytogenetic location: 11p15.3.
Variant type: Indel.
Coding change: c.545+13_545+15delinsATG on transcript NM_032228.6 (MANE Select); bases 13 to 15 of the intron after coding-DNA position 545, GAA replaced by ATG.
Molecular consequence: intron variant.
Genome position (GRCh38, 1-based): chr11:13,708,092-13,708,094, GAA replaced by ATG. VCF-style: chr11-13708092-GAA-ATG. GRCh37 (hg19) VCF-style: chr11-13729639-GAA-ATG.
Identifiers: ClinVar variation 2970593 (VCV002970593.3), dbSNP rs2500127388, ClinGen allele CA2740093635.
Genomic context (GRCh38, chr11:13,708,092, plus strand): 5'-AGTCTATCCACCACCTGTGGATCCCAAGAAGCTGATTGATTCTTTAGAGTATGTTTGTTT[GAA>ATG]ATTTATATACATTTACTTTGATCCCAAAAGAGGCCAAGGCGGGCGGATCATGAGGTCAGG-3'